The following is an entry in ClinVar:

NM_005502.4(ABCA1):c.6077A>G (p.Glu2026Gly)

Genes: ABCA1 (ATP binding cassette subfamily A member 1; minus strand), NIPSNAP3B (nipsnap homolog 3B; plus strand). Cytogenetic location: 9q31.1.
Variant type: single nucleotide variant.
Coding change: c.6077A>G on transcript NM_005502.4 (MANE Select); coding-DNA position 6077, A replaced by G.
Protein change: p.Glu2026Gly; replaces glutamic acid 2026 with glycine.
Molecular consequence: missense variant.
Genome position (GRCh38, 1-based): chr9:104,788,047, T>C on the plus strand (A>G on the coding strand, the complement: ABCA1 is on the minus strand). VCF-style: chr9-104788047-T-C. GRCh37 (hg19) VCF-style: chr9-107550328-T-C.
Other names: short protein forms E2026G.
Identifiers: ClinVar variation 1751416 (VCV001751416.2), dbSNP rs576153555, ClinGen allele CA5167635.

ClinVar aggregate classification (germline): Uncertain significance (1 of 4 stars; one submission).

Conditions:
Cardiovascular phenotype. Identifiers: MedGen CN230736.

Allele frequency attached by ClinVar (database versions not stated): TOPMed below 0.00001; gnomAD 0.00001; gnomAD exomes 0.00001; ExAC 0.00002; 1000 Genomes Project 30x 0.00016; 1000 Genomes Project 0.00020.
gnomAD v4.1: 10 of 1,614,182 alleles (0.00062%); highest among the groups gnomAD compares: South Asian, 0.011%; no homozygotes.

Submission:

Ambry Genetics
Classification: Uncertain significance for Cardiovascular phenotype. Last evaluated: 2022-08-01. Review status: criteria provided, single submitter. Criteria: Ambry Variant Classification Scheme 2023. Collection method: clinical testing. Allele origin: germline.
Comment: The p.E2026G variant (also known as c.6077A>G), located in coding exon 45 of the ABCA1 gene, results from an A to G substitution at nucleotide position 6077. The glutamic acid at codon 2026 is replaced by glycine, an amino acid with similar properties. This amino acid position is conserved. In addition, this alteration is predicted to be deleterious by in silico analysis. Since supporting evidence is limited at this time, the clinical significance of this alteration remains unclear.